The following is an entry in ClinVar:

NM_003184.4(TAF2):c.2306A>G (p.Lys769Arg)

Gene: TAF2 (TATA-box binding protein associated factor 2; minus strand). Cytogenetic location: 8q24.12.
Variant type: single nucleotide variant.
Coding change: c.2306A>G on transcript NM_003184.4 (MANE Select); coding-DNA position 2306, A replaced by G.
Protein change: p.Lys769Arg; replaces lysine 769 with arginine.
Molecular consequence: missense variant. On other transcripts: intron variant (2).
Genome position (GRCh38, 1-based): chr8:119,778,077, T>C on the plus strand (A>G on the coding strand, the complement: TAF2 is on the minus strand). VCF-style: chr8-119778077-T-C. GRCh37 (hg19) VCF-style: chr8-120790317-T-C.
Other names: c.2306A>G, p.Lys769Arg (NM_001437338.1); c.2253+2976A>G (NM_001437339.1, NM_001438084.1); short protein forms K769R.
Identifiers: ClinVar variation 4532090 (VCV004532090.1).

ClinVar aggregate classification (germline): Uncertain significance (1 of 4 stars; one submission).

Conditions:
Microcephaly-thin corpus callosum-intellectual disability syndrome (NEDFCF). Also called: NEURODEVELOPMENTAL DISORDER WITH FEEDING DIFFICULTIES, THIN CORPUS CALLOSUM, AND FOOT DEFORMITY; Intellectual developmental disorder, autosomal recessive 40. Identifiers: Orphanet 397951, MedGen C3810080, MONDO:0014273, OMIM 615599.

Submission:

Victorian Clinical Genetics Services, Murdoch Childrens Research Institute
Classification: Uncertain significance for Microcephaly-thin corpus callosum-intellectual disability syndrome. Last evaluated: 2025-09-11. Review status: criteria provided, single submitter. Criteria: ACMG Guidelines, 2015. Collection method: clinical testing. Allele origin: germline. Affected: yes.
Comment: This variant is classified as VUS-3B. Evidence in support of pathogenic classification: Variant is absent from gnomAD (v2, v3 and v4). Evidence in support of benign classification: Missense variant predicted to be tolerated by in silico tool(s) or not conserved in placental mammals with a minor amino acid change. Additional information: Variant is predicted to result in a missense amino acid change from Lys to Arg; This variant is heterozygous; This gene is associated with autosomal recessive disease; This variant has no previous evidence of pathogenicity; No published evidence of segregation with disease has been identified for this variant; No published functional evidence has been identified for this variant; No comparable missense variants have previous evidence for pathogenicity; Variant is located in the annotated TAF2-like, TPR repeats domain (DECIPHER); The mechanism of disease for this gene is not clearly established.